The following is an entry in ClinVar:

ClinVar aggregate classification (germline): Uncertain significance (1 of 4 stars; one submission).

Conditions:
Hereditary cancer-predisposing syndrome. Also called: Hereditary neoplastic syndrome; Hereditary Cancer Syndrome; Neoplastic Syndromes, Hereditary; Tumor predisposition. Identifiers: Orphanet 140162, MedGen C0027672, MeSH D009386, MONDO:0015356.

Submission:

Ambry Genetics
Classification: Uncertain significance for Hereditary cancer-predisposing syndrome. Last evaluated: 2023-04-28. Review status: criteria provided, single submitter. Criteria: Ambry Variant Classification Scheme 2023. Collection method: clinical testing. Allele origin: germline.
Comment: The p.S923G variant (also known as c.2767A>G), located in coding exon 19 of the PDGFRA gene, results from an A to G substitution at nucleotide position 2767. The serine at codon 923 is replaced by glycine, an amino acid with similar properties. This amino acid position is conserved. In addition, this alteration is predicted to be tolerated by in silico analysis. Since supporting evidence is limited at this time, the clinical significance of this alteration remains unclear.

NM_006206.6(PDGFRA):c.2767A>G (p.Ser923Gly)

Gene: PDGFRA (platelet derived growth factor receptor alpha; plus strand). Cytogenetic location: 4q12.
Variant type: single nucleotide variant.
Coding change: c.2767A>G on transcript NM_006206.6 (MANE Select); coding-DNA position 2767, A replaced by G.
Protein change: p.Ser923Gly; replaces serine 923 with glycine.
Molecular consequence: missense variant.
Genome position (GRCh38, 1-based): chr4:54,288,891, A>G. VCF-style: chr4-54288891-A-G. GRCh37 (hg19) VCF-style: chr4-55155058-A-G.
Other names: c.2842A>G, p.Ser948Gly (NM_001347828.2); c.2767A>G, p.Ser923Gly (NM_001347829.2); c.2806A>G, p.Ser936Gly (NM_001347830.2); short protein forms S936G, S948G, S923G.
Identifiers: ClinVar variation 2568085 (VCV002568085.2), dbSNP rs2475560105, ClinGen allele CA356895610.